The following is an entry in ClinVar:

ClinVar aggregate classification (germline): Uncertain significance. Review status: criteria provided, multiple submitters, no conflicts (2 of 4 stars). 4 submissions from 4 submitters: Uncertain significance (4). Last evaluated 2025-10-03.

Conditions:
Inborn genetic diseases. Identifiers: MedGen C0950123, MeSH D030342.
Nephronophthisis 16 (NPHP16). Identifiers: Orphanet 655, MedGen C3809320, MONDO:0014158, OMIM 615382.

Allele frequency attached by ClinVar (database versions not stated): TOPMed 0.00004; gnomAD exomes 0.00013; gnomAD 0.00007; ExAC 0.00022.
gnomAD v4.1: 198 of 1,572,136 alleles (0.013%); highest among the groups gnomAD compares: Non-Finnish European, 0.016%; no homozygotes.

Submissions (4):

Labcorp Genetics (formerly Invitae), Labcorp
Classification: Uncertain significance for Nephronophthisis 16. Last evaluated: 2025-10-03. Review status: criteria provided, single submitter. Criteria: Invitae Variant Classification Sherloc (09022015). Collection method: clinical testing. Allele origin: germline.
Comment: This sequence change replaces proline, which is neutral and non-polar, with leucine, which is neutral and non-polar, at codon 279 of the ANKS6 protein (p.Pro279Leu). This variant is present in population databases (rs769907950, gnomAD 0.03%). This variant has not been reported in the literature in individuals affected with ANKS6-related conditions. ClinVar contains an entry for this variant (Variation ID: 2397460). An algorithm developed to predict the effect of missense changes on protein structure and function (PolyPhen-2) suggests that this variant is likely to be tolerated. In summary, the available evidence is currently insufficient to determine the role of this variant in disease. Therefore, it has been classified as a Variant of Uncertain Significance.

Ambry Genetics
Classification: Uncertain significance for Inborn genetic diseases. Last evaluated: 2025-08-30. Review status: criteria provided, single submitter. Criteria: Ambry Variant Classification Scheme 2023. Collection method: clinical testing. Allele origin: germline.

GeneDx
Classification: Uncertain significance. Last evaluated: 2025-07-17. Review status: criteria provided, single submitter. Criteria: GeneDx Variant Classification Process June 2021. Collection method: clinical testing. Allele origin: germline. Affected: yes.
Comment: In silico analysis supports that this missense variant has a deleterious effect on protein structure/function; Has not been previously published as pathogenic or benign to our knowledge

Fulgent Genetics
Classification: Uncertain significance for Nephronophthisis 16. Last evaluated: 2024-02-27. Review status: criteria provided, single submitter. Criteria: ACMG Guidelines, 2015. Collection method: clinical testing. Allele origin: germline.

NM_173551.5(ANKS6):c.836C>T (p.Pro279Leu)

Gene: ANKS6 (ankyrin repeat and sterile alpha motif domain containing 6; minus strand). Cytogenetic location: 9q22.33.
Variant type: single nucleotide variant.
Coding change: c.836C>T on transcript NM_173551.5 (MANE Select); coding-DNA position 836, C replaced by T.
Protein change: p.Pro279Leu; replaces proline 279 with leucine.
Molecular consequence: missense variant.
Genome position (GRCh38, 1-based): chr9:98,790,130, G>A on the plus strand (C>T on the coding strand, the complement: ANKS6 is on the minus strand). VCF-style: chr9-98790130-G-A. GRCh37 (hg19) VCF-style: chr9-101552412-G-A.
Other names: short protein forms P279L.
Identifiers: ClinVar variation 2397460 (VCV002397460.8), dbSNP rs769907950, ClinGen allele CA5153736.
Genomic context (GRCh38, chr9:98,790,130, plus strand): 5'-CCTCTGTGAAGCCACGGGGGGCATGCAGCCTGACCTGTTTTGGGCCTGACGGTGGTCAGC[G>A]GGTCCAGGTAGTCTACAAGGTCCCTGTGCTTGCAGTCCAGTGCAACCTCGAAGGCGGTCT-3'
Protein context (NP_775822.3, residues 269-289): KHRDLVDYLD[Pro279Leu]LTTVRPKTDE